The following is an entry in ClinVar:

NM_014927.5(CNKSR2):c.2553C>T (p.Ser851=)

Gene: CNKSR2 (connector enhancer of kinase suppressor of Ras 2; plus strand). Cytogenetic location: Xp22.12.
Variant type: single nucleotide variant.
Coding change: c.2553C>T on transcript NM_014927.5 (MANE Select); coding-DNA position 2553, C replaced by T.
Protein change: p.Ser851=; no amino-acid change (serine 851 retained).
Molecular consequence: synonymous variant.
Genome position (GRCh38, 1-based): chrX:21,609,478, C>T. VCF-style: chrX-21609478-C-T. GRCh37 (hg19) VCF-style: chrX-21627596-C-T.
Other names: c.2463C>T, p.Ser821= (NM_001168647.3, NM_001330773.2); c.2553C>T, p.Ser851= (NM_001168648.3); c.2406C>T, p.Ser802= (NM_001168649.3, NM_001330770.2); c.2316C>T, p.Ser772= (NM_001330771.2, NM_001330772.2).
Identifiers: ClinVar variation 3777859 (VCV003777859.8).

ClinVar aggregate classification (germline): Likely benign. Review status: criteria provided, multiple submitters, no conflicts (2 of 4 stars). 2 submissions from 2 submitters: Likely benign (2). Last evaluated 2025-03-01.

gnomAD v4.1: 43 of 1,208,734 alleles (0.0036%); highest among the groups gnomAD compares: Admixed American, 0.0088%; no homozygotes.

Submissions (2):

CeGaT Center for Human Genetics Tuebingen
Classification: Likely benign. Last evaluated: 2025-03-01. Review status: criteria provided, single submitter. Criteria: CeGaT Center For Human Genetics Tuebingen Variant Classification Criteria Version 2. Collection method: clinical testing. Allele origin: germline. Affected: yes. Observed: 1 variant allele.
Comment: CNKSR2: BP4, BP7, BS2

Blueprint Genetics
Classification: Likely benign. Last evaluated: 2024-06-13. Review status: criteria provided, single submitter. Criteria: ACMG Guidelines, 2015. Collection method: clinical testing. Allele origin: germline.